The following is an entry in ClinVar:

NM_003060.4(SLC22A5):c.641C>T (p.Ala214Val)

Gene: SLC22A5 (solute carrier family 22 member 5; plus strand). Cytogenetic location: 5q31.1.
Variant type: single nucleotide variant.
Coding change: c.641C>T on transcript NM_003060.4 (MANE Select); coding-DNA position 641, C replaced by T.
Protein change: p.Ala214Val; replaces alanine 214 with valine.
Molecular consequence: missense variant.
Genome position (GRCh38, 1-based): chr5:132,384,290, C>T. VCF-style: chr5-132384290-C-T. GRCh37 (hg19) VCF-style: chr5-131719982-C-T.
Other names: p.A214V:GCA>GTA; c.713C>T, p.Ala238Val (NM_001308122.2); short protein forms A214V, A238V.
Identifiers: ClinVar variation 38279 (VCV000038279.48), dbSNP rs386134199, ClinGen allele CA312942.

ClinVar aggregate classification (germline): Conflicting classifications of pathogenicity. Review status: criteria provided, conflicting classifications (1 of 4 stars). 15 submissions from 15 submitters: Pathogenic (1); Likely pathogenic (10); Uncertain significance (4). Last evaluated 2026-05-15.

Conditions:
Carnitine deficiency. Identifiers: MedGen C1142132.
SLC22A5-related disorder. Also called: SLC22A5-related condition.
Renal carnitine transport defect (CDSP). Also called: CARNITINE DEFICIENCY, SYSTEMIC, DUE TO DEFECT IN RENAL REABSORPTION OF CARNITINE; CARNITINE TRANSPORTER, PLASMA-MEMBRANE, DEFICIENCY OF; CARNITINE UPTAKE DEFECT; Primary carnitine deficiency; Carnitine transporter deficiency; Systemic primary carnitine deficiency disease. Identifiers: Orphanet 158, MedGen C0342788, MONDO:0008919, OMIM 212140.

Allele frequency attached by ClinVar (database versions not stated): 1000 Genomes Project 0.00260; TOPMed 0.00001; ExAC 0.00080; gnomAD below 0.00001 and 0.00026; gnomAD exomes 0.00072; 1000 Genomes Project 30x 0.00265.
gnomAD v4.1: 626 of 1,614,206 alleles (0.039%); highest among the groups gnomAD compares: South Asian, 0.65%; 8 homozygotes.

Submissions 1 to 13 of 15:

Women's Health and Genetics/Laboratory Corporation of America, LabCorp
Classification: Likely pathogenic for Renal carnitine transport defect. Last evaluated: 2026-05-15. Review status: criteria provided, single submitter. Criteria: LabCorp Variant Classification Summary - May 2015. Collection method: clinical testing. Allele origin: germline.
Comment: Variant summary: SLC22A5 c.641C>T (p.Ala214Val) results in a non-conservative amino acid change located in the Major facilitator superfamily domain (IPR020846) of the encoded protein sequence. Algorithms developed to predict the effect of missense changes on protein structure and function all suggest that this variant is likely to be disruptive. The variant allele was found at a frequency of 0.00072 in 251492 control chromosomes, predominantly at a frequency of 0.0059 within the South Asian subpopulation in the gnomAD database, including 3 homozygotes. The observed variant frequency within South Asian control individuals in the gnomAD database exceeds the estimated maximal expected allele frequency for disease-causing variants in SLC22A5. c.641C>T has been reported in the literature in compound heterozygous/homozygous infants identified through newborn metabolic screening, many of whom were born to asymptomatic compound heterozygous/homozygous mothers (El-Hattab_2010, Rose_2012, Frigeni_2017, Schiergens_2021). Cardiac function in these mothers were not evaluated except for one individual who had a history of heart palpitations and sinus tachycardia (El-Hattab_2010). These data indicate that the variant is likely to be associated with disease. Several publications examined the effect of the variant on cellular carnitine transport activity through stable transfection of either HEK-293 cells (Toh_2011) or CHO cells (Rose_2012, Frigeni_2017). In HEK-293 cells, the variant had no effect on carnitine uptake (Toh_2011), but in CHO cells, the variant had 32.56% transport activity (Frigeni_2017). The following publications have been ascertained in the context of this evaluation (PMID: 20027113, 28841266, 36343260, 21922592, 34178604, 21864509). ClinVar contains an entry for this variant (Variation ID: 38279). Based on the evidence outlined above, the variant was classified as likely pathogenic.

Labcorp Genetics (formerly Invitae), Labcorp
Classification: Likely pathogenic for Renal carnitine transport defect. Last evaluated: 2026-02-02. Review status: criteria provided, single submitter. Criteria: Invitae Variant Classification Sherloc (09022015). Collection method: clinical testing. Allele origin: germline.
Comment: This sequence change replaces alanine, which is neutral and non-polar, with valine, which is neutral and non-polar, at codon 214 of the SLC22A5 protein (p.Ala214Val). This variant is present in population databases (rs386134199, gnomAD 0.6%), and has an allele count higher than expected for a pathogenic variant. This missense change has been observed in individual(s) with primary carnitine deficiency (PMID: 20027113, 28841266; internal data). In at least one individual the data is consistent with being in trans (on the opposite chromosome) from a pathogenic variant. ClinVar contains an entry for this variant (Variation ID: 38279). Invitae Evidence Modeling of protein sequence and biophysical properties (such as structural, functional, and spatial information, amino acid conservation, physicochemical variation, residue mobility, and thermodynamic stability) has been performed for this missense variant. However, the output from this modeling did not meet the statistical confidence thresholds required to predict the impact of this variant on SLC22A5 protein function. Experimental studies are conflicting or provide insufficient evidence to determine the effect of this variant on SLC22A5 function (PMID: 21864509, 36343260). In summary, the currently available evidence indicates that the variant is pathogenic, but additional data are needed to prove that conclusively. Therefore, this variant has been classified as Likely Pathogenic.

GeneDx
Classification: Likely pathogenic. Last evaluated: 2025-10-22. Review status: criteria provided, single submitter. Criteria: GeneDx Variant Classification Process June 2021. Collection method: clinical testing. Allele origin: germline. Affected: yes.
Comment: Functional studies show inconsistent carnitine transport activity including one study with significantly reduced carnitine transport activity, one study with 32.56% transport activity, and one study with only a slight decrease in carnitine transport (PMID: 21922592, 28841266, 21864509); In silico analysis supports that this missense variant has a deleterious effect on protein structure/function; This variant is associated with the following publications: (PMID: 21864509, 28841266, 28711408, 20027113, 34178604, 32778825, 20574985, 27460824, 26659599, 23798014, 29930244, 23430858, 26828774, 36343260, 37603033, 21922592, 29659532, 21126579, 36535739)

Natera, Inc.
Classification: Likely pathogenic for Carnitine deficiency. Last evaluated: 2025-08-28. Review status: criteria provided, single submitter. Criteria: Natera Variant Classification Schema (03/2026). Collection method: clinical testing. Allele origin: germline.
Comment: The c.641C>T variant in SLC22A5 is a missense variant predicted to cause substitution of alanine to valine at amino acid 214. The frequency of this variant in the general population is greater than expected for disorder. This variant has been observed in one or more individuals affected with the associated recessive disease, as either homozygous or compound heterozygous with a second variant (PMID: 20027113, 20574985, 28711408, 34178604, 23798014). Additionally, this variant has been observed to segregate in affected family members (PMID: 20027113). Computational prediction algorithms indicate this variant is likely to affect gene or protein function. Given the available evidence, this variant is classified as Likely Pathogenic.

First Genomix Gene Laboratory, Genetic Diagnostics Department
Classification: Likely pathogenic for Renal carnitine transport defect. Last evaluated: 2025-05-23. Review status: criteria provided, single submitter. Criteria: ACMG Guidelines, 2015. Collection method: clinical testing. Allele origin: germline. Inheritance: Autosomal recessive inheritance. Affected: no. Observed: 1 variant allele.

Revvity Omics, Revvity
Classification: Uncertain significance for Renal carnitine transport defect. Last evaluated: 2025-04-02. Review status: criteria provided, single submitter. Criteria: ACMG Guidelines, 2015. Collection method: clinical testing. Allele origin: germline.

Blueprint Genetics
Classification: Likely pathogenic for SLC22A5-related disorders. Last evaluated: 2024-11-19. Review status: criteria provided, single submitter. Criteria: ACMG Guidelines, 2015. Collection method: clinical testing. Allele origin: germline. Affected: yes. Observed: 5 variant alleles.

Fulgent Genetics
Classification: Likely pathogenic for Renal carnitine transport defect. Last evaluated: 2024-03-17. Review status: criteria provided, single submitter. Criteria: ACMG Guidelines, 2015. Collection method: clinical testing. Allele origin: germline.

Department of Pathology and Laboratory Medicine, Sinai Health System
Classification: Likely pathogenic for Renal carnitine transport defect. Last evaluated: 2023-02-27. Review status: criteria provided, single submitter. Criteria: ACMG Guidelines, 2015. Collection method: research. Allele origin: germline.

Giacomini Lab, University of California, San Francisco
Classification: Uncertain significance for Renal carnitine transport defect. Last evaluated: 2022-10-03. Review status: criteria provided, single submitter. Criteria: ACMG Guidelines, 2015. Collection method: research, in vitro. Allele origin: germline, not applicable.

Mendelics
Classification: Pathogenic for Renal carnitine transport defect. Last evaluated: 2022-05-04. Review status: criteria provided, single submitter. Criteria: Mendelics Assertion Criteria 2019. Collection method: clinical testing. Allele origin: germline.

Myriad Genetics, Inc.
Classification: Uncertain significance for Renal carnitine transport defect. Last evaluated: 2021-10-01. Review status: criteria provided, single submitter. Criteria: Myriad Women's Health Autosomal Recessive and X-Linked Classification Criteria (2021). Collection method: clinical testing. Allele origin: unknown.
Comment: NM_003060.3(SLC22A5):c.641C>T(A214V) is a missense variant classified as a variant of uncertain significance in the context of primary carnitine deficiency. A214V has been observed in cases with relevant disease (PMID: 28841266, 20574985, 23430858, 21922592, 23798014, 28711408). Functional assessments of this variant are available in the literature (PMID: 21864509, 21922592, 28841266). A214V has been observed in population frequency databases (gnomAD: SAS 0.59%). In summary, there is insufficient evidence to classify NM_003060.3(SLC22A5):c.641C>T(A214V) as pathogenic or benign. Please note: this variant was assessed in the context of healthy population screening.

Genome-Nilou Lab
Classification: Likely pathogenic for Renal carnitine transport defect. Last evaluated: 2021-07-15. Review status: criteria provided, single submitter. Criteria: ACMG Guidelines, 2015. Collection method: clinical testing. Allele origin: germline. Affected: no.